The following is an entry in ClinVar:

ClinVar aggregate classification (germline): Uncertain significance (1 of 4 stars; one submission).

Allele frequency attached by ClinVar (database versions not stated): TOPMed below 0.00001; gnomAD 0.00001.

Submission:

Labcorp Genetics (formerly Invitae), Labcorp
Classification: Uncertain significance. Last evaluated: 2025-01-14. Review status: criteria provided, single submitter. Criteria: Invitae Variant Classification Sherloc (09022015). Collection method: clinical testing. Allele origin: germline.
Comment: This sequence change replaces glutamic acid, which is acidic and polar, with lysine, which is basic and polar, at codon 228 of the DSG1 protein (p.Glu228Lys). This variant is not present in population databases (gnomAD no frequency). This variant has not been reported in the literature in individuals affected with DSG1-related conditions. ClinVar contains an entry for this variant (Variation ID: 1420164). An algorithm developed to predict the effect of missense changes on protein structure and function (PolyPhen-2) suggests that this variant is likely to be disruptive. In summary, the available evidence is currently insufficient to determine the role of this variant in disease. Therefore, it has been classified as a Variant of Uncertain Significance.

NM_001942.4(DSG1):c.682G>A (p.Glu228Lys)

Gene: DSG1 (desmoglein 1; plus strand). Cytogenetic location: 18q12.1.
Variant type: single nucleotide variant.
Coding change: c.682G>A on transcript NM_001942.4 (MANE Select); coding-DNA position 682, G replaced by A.
Protein change: p.Glu228Lys; replaces glutamic acid 228 with lysine.
Molecular consequence: missense variant.
Genome position (GRCh38, 1-based): chr18:31,331,865, G>A. VCF-style: chr18-31331865-G-A. GRCh37 (hg19) VCF-style: chr18-28911828-G-A.
Other names: short protein forms E228K.
Identifiers: ClinVar variation 1420164 (VCV001420164.6), dbSNP rs2071723389, ClinGen allele CA402129616.